The following is an entry in ClinVar:

ClinVar aggregate classification (germline): Pathogenic (1 of 4 stars; one submission).

Submission:

CeGaT Center for Human Genetics Tuebingen
Classification: Pathogenic. Last evaluated: 2025-07-01. Review status: criteria provided, single submitter. Criteria: CeGaT Center For Human Genetics Tuebingen Variant Classification Criteria Version 2. Collection method: clinical testing. Allele origin: germline. Affected: yes. Observed: 1 variant allele.
Comment: HIVEP2: PVS1, PM2

NM_006734.4(HIVEP2):c.3715C>T (p.Gln1239Ter)

Gene: HIVEP2 (HIVEP zinc finger 2; minus strand). Cytogenetic location: 6q24.2.
Variant type: single nucleotide variant.
Coding change: c.3715C>T on transcript NM_006734.4 (MANE Select); coding-DNA position 3715, C replaced by T.
Protein change: p.Gln1239Ter; replaces glutamine 1239 with a stop codon.
Molecular consequence: nonsense.
Genome position (GRCh38, 1-based): chr6:142,771,024, G>A on the plus strand (C>T on the coding strand, the complement: HIVEP2 is on the minus strand). VCF-style: chr6-142771024-G-A. GRCh37 (hg19) VCF-style: chr6-143092161-G-A.
Other names: c.3715C>T, p.Gln1239Ter (NM_001438449.1, NM_001438450.1, NM_001438451.1); short protein forms Q1239*.
Identifiers: ClinVar variation 4085583 (VCV004085583.8).